The following is an entry in ClinVar:

NM_003900.5(SQSTM1):c.4G>A (p.Ala2Thr)

Gene: SQSTM1 (sequestosome 1; plus strand). Cytogenetic location: 5q35.3.
Variant type: single nucleotide variant.
Coding change: c.4G>A on transcript NM_003900.5 (MANE Select); coding-DNA position 4, G replaced by A.
Protein change: p.Ala2Thr; replaces alanine 2 with threonine.
Molecular consequence: missense variant. On other transcripts: intron variant (2).
Genome position (GRCh38, 1-based): chr5:179,820,940, G>A. VCF-style: chr5-179820940-G-A. GRCh37 (hg19) VCF-style: chr5-179247940-G-A.
Other names: c.-47-2018G>A (NM_001142298.2, NM_001142299.2); short protein forms A2T.
Identifiers: ClinVar variation 4792181 (VCV004792181.1).

ClinVar aggregate classification (germline): Uncertain significance (1 of 4 stars; one submission).

Conditions:
Frontotemporal dementia and/or amyotrophic lateral sclerosis 1 (FTDALS1). Also called: C9orf72 Frontotemporal Dementia and/or Amyotrophic Lateral Sclerosis; Frontotemporal dementia with motor neuron disease 1. Identifiers: Orphanet 275872, MedGen C5779877, MONDO:0007105, OMIM 105550.
Paget disease of bone 2, early-onset (PDB2). Also called: Paget disease of bone 2. Identifiers: MedGen C4085251, MONDO:0011183, OMIM 602080.

gnomAD v4.1: 1 of 1,552,244 alleles (0.000064%); highest among the groups gnomAD compares: Non-Finnish European, 0.000087%; no homozygotes.

Submission:

Labcorp Genetics (formerly Invitae), Labcorp
Classification: Uncertain significance for Paget disease of bone 2, early-onset; Frontotemporal dementia and/or amyotrophic lateral sclerosis 1. Last evaluated: 2025-08-20. Review status: criteria provided, single submitter. Criteria: Invitae Variant Classification Sherloc (09022015). Collection method: clinical testing. Allele origin: germline.
Comment: This sequence change replaces alanine, which is neutral and non-polar, with threonine, which is neutral and polar, at codon 2 of the SQSTM1 protein (p.Ala2Thr). This variant is not present in population databases (gnomAD no frequency). This variant has not been reported in the literature in individuals affected with SQSTM1-related conditions. An algorithm developed to predict the effect of missense changes on protein structure and function (PolyPhen-2) suggests that this variant is likely to be disruptive. In summary, the available evidence is currently insufficient to determine the role of this variant in disease. Therefore, it has been classified as a Variant of Uncertain Significance.